The following is an entry in ClinVar:

ClinVar aggregate classification (germline): Uncertain significance. Review status: criteria provided, multiple submitters, no conflicts (2 of 4 stars). 2 submissions from 2 submitters: Uncertain significance (2). Last evaluated 2024-11-22.

Conditions:
Severe combined immunodeficiency due to DNA-PKcs deficiency. Also called: IMMUNODEFICIENCY 26 WITH NEUROLOGIC ABNORMALITIES; Immunodeficiency 26 with or without neurologic abnormalities. Identifiers: Orphanet 317425, MedGen C4014833, MONDO:0014423, OMIM 615966.

Allele frequency attached by ClinVar (database versions not stated): ExAC 0.00001; gnomAD exomes 0.00001 and 0.00003; gnomAD 0.00002 and 0.00003; TOPMed 0.00004.
gnomAD v4.1: 53 of 1,586,242 alleles (0.0033%); highest among the groups gnomAD compares: Non-Finnish European, 0.0042%; no homozygotes.

Submissions (2):

Ambry Genetics
Classification: Uncertain significance. Last evaluated: 2024-11-22. Review status: criteria provided, single submitter. Criteria: Ambry Variant Classification Scheme 2023. Collection method: clinical testing. Allele origin: germline.

Labcorp Genetics (formerly Invitae), Labcorp
Classification: Uncertain significance for Severe combined immunodeficiency due to DNA-PKcs deficiency. Last evaluated: 2022-02-25. Review status: criteria provided, single submitter. Criteria: Invitae Variant Classification Sherloc (09022015). Collection method: clinical testing. Allele origin: germline.
Comment: This sequence change replaces isoleucine, which is neutral and non-polar, with valine, which is neutral and non-polar, at codon 1013 of the PRKDC protein (p.Ile1013Val). This variant is present in population databases (rs778889493, gnomAD 0.005%). This variant has not been reported in the literature in individuals affected with PRKDC-related conditions. ClinVar contains an entry for this variant (Variation ID: 948449). In summary, the available evidence is currently insufficient to determine the role of this variant in disease. Therefore, it has been classified as a Variant of Uncertain Significance.

NM_006904.7(PRKDC):c.3037A>G (p.Ile1013Val)

Gene: PRKDC (protein kinase, DNA-activated, catalytic subunit; minus strand). Cytogenetic location: 8q11.21.
Variant type: single nucleotide variant.
Coding change: c.3037A>G on transcript NM_006904.7 (MANE Select); coding-DNA position 3037, A replaced by G.
Protein change: p.Ile1013Val; replaces isoleucine 1013 with valine.
Molecular consequence: missense variant.
Genome position (GRCh38, 1-based): chr8:47,904,874, T>C on the plus strand (A>G on the coding strand, the complement: PRKDC is on the minus strand). VCF-style: chr8-47904874-T-C. GRCh37 (hg19) VCF-style: chr8-48817434-T-C.
Other names: c.3037A>G, p.Ile1013Val (NM_001081640.2); short protein forms I1013V.
Identifiers: ClinVar variation 948449 (VCV000948449.6), dbSNP rs778889493, ClinGen allele CA4741300.